The following is an entry in ClinVar:

NM_005902.4(SMAD3):c.532+1G>C

Gene: SMAD3 (SMAD family member 3; plus strand). Cytogenetic location: 15q22.33.
Variant type: single nucleotide variant.
Coding change: c.532+1G>C on transcript NM_005902.4 (MANE Select); the canonical splice donor site of the intron after coding-DNA position 532, G replaced by C.
Molecular consequence: splice donor variant. On other transcripts: intron variant (2).
Genome position (GRCh38, 1-based): chr15:67,165,385, G>C. VCF-style: chr15-67165385-G-C. GRCh37 (hg19) VCF-style: chr15-67457723-G-C.
Other names: c.532+1G>C (NM_001407011.1, NM_001407013.1); c.400+297G>C (NM_001407012.1); c.385+1G>C (NM_001407014.1); c.217+1G>C (NM_001145102.2, NM_001407016.1); c.85+297G>C (NM_001407015.1); c.400+1G>C (NM_001145103.2).
Identifiers: ClinVar variation 1172860 (VCV001172860.9), dbSNP rs2140295070, ClinGen allele CA392954516.

ClinVar aggregate classification (germline): Likely pathogenic. Review status: criteria provided, multiple submitters, no conflicts (2 of 4 stars). 2 submissions from 2 submitters: Likely pathogenic (2). Last evaluated 2021-05-24.

Conditions:
Loeys-Dietz syndrome (LDS). Identifiers: Orphanet 60030, MedGen C2697932, MONDO:0018954.
Familial thoracic aortic aneurysm and aortic dissection (TAAD). Also called: Thoracic aortic aneurysms and dissections. Identifiers: Orphanet 91387, MedGen C4707243, MONDO:0019625.

Submissions (2):

Women's Health and Genetics/Laboratory Corporation of America, LabCorp
Classification: Likely pathogenic for Loeys-Dietz syndrome. Last evaluated: 2021-05-24. Review status: criteria provided, single submitter. Criteria: LabCorp Variant Classification Summary - May 2015. Collection method: clinical testing. Allele origin: germline.
Comment: Variant summary: SMAD3 c.532+1G>C is located in a canonical splice-site and is predicted to affect mRNA splicing resulting in a significantly altered protein due to either exon skipping, shortening, or inclusion of intronic material. Several computational tools predict a significant impact on normal splicing: Four predict the variant abolishes a 5 prime splicing donor site. However, these predictions have yet to be confirmed by functional studies. The variant was absent in 251280 control chromosomes. c.532+1G>C has been reported in the literature in at least one individual affected with Loeys-Dietz Syndrome (Schepers_2018). To our knowledge, no experimental evidence demonstrating an impact on protein function has been reported. No clinical diagnostic laboratories have submitted clinical-significance assessments for this variant to ClinVar after 2014. Based on the evidence outlined above, the variant was classified as likely pathogenic.

Labcorp Genetics (formerly Invitae), Labcorp
Classification: Likely pathogenic for Familial thoracic aortic aneurysm and aortic dissection. Last evaluated: 2021-02-03. Review status: criteria provided, single submitter. Criteria: Invitae Variant Classification Sherloc (09022015). Collection method: clinical testing. Allele origin: germline.
Comment: In summary, the currently available evidence indicates that the variant is pathogenic, but additional data are needed to prove that conclusively. Therefore, this variant has been classified as Likely Pathogenic. This variant has been observed in individual(s) with SMAD3-related conditions (PMID: 29392890). This variant is not present in population databases (ExAC no frequency). This sequence change affects a donor splice site in intron 3 of the SMAD3 gene. It is expected to disrupt RNA splicing. Variants that disrupt the donor or acceptor splice site typically lead to a loss of protein function (PMID: 16199547), and loss-of-function variants in SMAD3 are known to be pathogenic (PMID: 21778426, 24804794).

Literature cited by the submitters: PubMed 29392890 (cited by Women's Health and Genetics/Laboratory Corporation of America, LabCorp and Labcorp Genetics (formerly Invitae), Labcorp); PubMed 16199547 (cited by Labcorp Genetics (formerly Invitae), Labcorp); PubMed 21778426 (cited by Labcorp Genetics (formerly Invitae), Labcorp); PubMed 24804794 (cited by Labcorp Genetics (formerly Invitae), Labcorp).